The following is an entry in ClinVar:

ClinVar aggregate classification (germline): Benign. Review status: criteria provided, multiple submitters, no conflicts (2 of 4 stars). 2 submissions from 2 submitters: Benign (2). Last evaluated 2018-06-14.

Allele frequency attached by ClinVar (database versions not stated): 1000 Genomes Project 0.16514; 1000 Genomes Project 30x 0.16771; TOPMed 0.23036; gnomAD 0.24075 and 0.24744.
gnomAD v4.1: 36,476 of 152,026 alleles (24%); highest among the groups gnomAD compares: Non-Finnish European, 26%; 4,721 homozygotes.

Submissions (2):

GeneDx
Classification: Benign. Last evaluated: 2018-06-14. Review status: criteria provided, single submitter. Criteria: GeneDx Variant Classification (06012015). Collection method: clinical testing. Allele origin: germline. Affected: yes.
Comment: This variant is considered likely benign or benign based on one or more of the following criteria: it is a conservative change, it occurs at a poorly conserved position in the protein, it is predicted to be benign by multiple in silico algorithms, and/or has population frequency not consistent with disease.

Breakthrough Genomics
Classification: Benign. Review status: criteria provided, single submitter. Criteria: ACMG Guidelines, 2015. Collection method: not provided. Allele origin: germline. Inheritance: Autosomal recessive inheritance. Affected: yes.

NM_153717.3(EVC):c.2895-249T>C

Gene: EVC (EvC ciliary complex subunit 1; plus strand). Cytogenetic location: 4p16.2.
Variant type: single nucleotide variant.
Coding change: c.2895-249T>C on transcript NM_153717.3 (MANE Select); 249 bases into the intron before coding-DNA position 2895, T replaced by C.
Molecular consequence: intron variant.
Genome position (GRCh38, 1-based): chr4:5,810,704, T>C. VCF-style: chr4-5810704-T-C. GRCh37 (hg19) VCF-style: chr4-5812431-T-C.
Other names: c.2895-252T>C (NM_001306090.2).
Identifiers: ClinVar variation 671281 (VCV000671281.2), dbSNP rs2279248, ClinGen allele CA15351193.